The following is an entry in ClinVar:

ClinVar aggregate classification (germline): Benign (3 of 4 stars; one submission).

Conditions:
Breast-ovarian cancer, familial, susceptibility to, 1 (BROVCA1). Also called: BRCA1 Hereditary Breast and Ovarian Cancer; OVARIAN CANCER, SUSCEPTIBILITY TO. Identifiers: Orphanet 145, MedGen C2676676, MONDO:0011450, OMIM 604370. Disease mechanism: loss of function.

Submission:

Evidence-based Network for the Interpretation of Germline Mutant Alleles (ENIGMA)
Classification: Benign for Breast-ovarian cancer, familial 1. Last evaluated: 2015-01-12. Review status: reviewed by expert panel. Criteria: ENIGMA BRCA1/2 Classification Criteria (2015). Collection method: curation. Allele origin: germline.
Comment: Class 1 not pathogenic based on frequency >1% in an outbred sampleset. Frequency 0.33 (Asian), 0.21 (African), 0.35 (European), derived from 1000 genomes (2012-04-30).

NM_007294.4(BRCA1):c.4485-565TTCC[6]

Gene: BRCA1 (BRCA1 DNA repair associated; minus strand). Cytogenetic location: 17q21.31.
Variant type: Microsatellite.
Coding change: c.4485-565TTCC[6] on transcript NM_007294.4 (MANE Select); six copies in a row of the 4-base unit TTCC starting at c.4485-565; the reference has five copies in a row; one copy, 4 bases duplicated.
Molecular consequence: intron variant.
Genome position (GRCh38, 1-based): chr17:43,075,067-43,075,070, GGAA duplicated on the plus strand (TTCC on the coding strand, the reverse complement: BRCA1 is on the minus strand); duplicating any 4 consecutive bases within chr17:43,075,067-43,075,086 gives the same sequence; the position shown is the placement nearest the transcript's 3' end. VCF-style (leftmost placement, unchanged base first): chr17-43075066-C-CGGAA. GRCh37 (hg19) VCF-style: chr17-41227083-C-CGGAA.
Other names: IVS 14-546insTTCC; c.4485-546_4485-545insTTCC (NM_007294.3); c.4341-565TTCC[6] (NM_001407745.1, NM_001407737.1, NM_001407746.1 and 21 more transcripts); c.4221-565TTCC[6] (NM_001407922.1, NM_001407925.1, NM_001407921.1 and 4 more transcripts); c.1029-565TTCC[6] (NM_001408469.1, NM_001408468.1, NM_001408470.1); c.1035-565TTCC[6] (NM_001408453.1, NM_001408455.1, NM_001408452.1 and 3 more transcripts); c.4344-565TTCC[6] (NM_001407728.1, NM_007297.4, NM_001407731.1 and 13 more transcripts); c.1032-565TTCC[6] (NM_001408461.1, NM_001408464.1, NM_001408467.1 and 7 more transcripts); and 73 more.
Identifiers: ClinVar variation 209378 (VCV000209378.2), dbSNP rs8176207, ClinGen allele CA276350.
Genomic context (GRCh38, chr17:43,075,066, plus strand): 5'-GGAAAGAAAGGAAAGAAAGAAGGAAAGAAGGAAGGAAGGGAGGGAAAGGAAAGGAAAGGA[C>CGGAA]GGAAGGAAGGAAGGAAGGAAAGGAAGAAAGAAAGGAGGAAAGAATAAAAGCAGGTCAGCA-3'